The following is an entry in ClinVar:

ClinVar aggregate classification (germline): Uncertain significance (1 of 4 stars; one submission).

Conditions:
Autosomal recessive limb-girdle muscular dystrophy type 2O. Also called: Limb-Girdle Muscular Dystrophy Type 3C; MUSCULAR DYSTROPHY-DYSTROGLYCANOPATHY (LIMB-GIRDLE), TYPE C, 3; MUSCULAR DYSTROPHY-DYSTROGLYCANOPATHY, LIMB-GIRDLE, POMGNT1-RELATED. Identifiers: Orphanet 206564, MedGen C3150417, MONDO:0013161, OMIM 613157.
Muscular dystrophy-dystroglycanopathy (congenital with impaired intellectual development), type B, 3. Also called: MUSCULAR DYSTROPHY, CONGENITAL, POMGNT1-RELATED; Muscular dystrophy-dystroglycanopathy (congenital with intellectual disability), type B3. Identifiers: MedGen C3150412, MONDO:0013155, OMIM 613151.

Submission:

Labcorp Genetics (formerly Invitae), Labcorp
Classification: Uncertain significance for Autosomal recessive limb-girdle muscular dystrophy type 2O; Muscular dystrophy-dystroglycanopathy (congenital with impaired intellectual development), type B, 3. Last evaluated: 2022-06-23. Review status: criteria provided, single submitter. Criteria: Invitae Variant Classification Sherloc (09022015). Collection method: clinical testing. Allele origin: germline.
Comment: This variant is not present in population databases (gnomAD no frequency). In summary, the available evidence is currently insufficient to determine the role of this variant in disease. Therefore, it has been classified as a Variant of Uncertain Significance. Advanced modeling of protein sequence and biophysical properties (such as structural, functional, and spatial information, amino acid conservation, physicochemical variation, residue mobility, and thermodynamic stability) performed at Invitae indicates that this missense variant is not expected to disrupt POMGNT1 protein function. This variant has not been reported in the literature in individuals affected with POMGNT1-related conditions. This sequence change replaces methionine, which is neutral and non-polar, with valine, which is neutral and non-polar, at codon 479 of the POMGNT1 protein (p.Met479Val).

NM_017739.4(POMGNT1):c.1435A>G (p.Met479Val)

Genes: POMGNT1 (protein O-linked mannose N-acetylglucosaminyltransferase 1 (beta 1,2-); minus strand), TSPAN1 (tetraspanin 1; plus strand). Cytogenetic location: 1p34.1.
Variant type: single nucleotide variant.
Coding change: c.1435A>G on transcript NM_017739.4 (MANE Select); coding-DNA position 1435, A replaced by G.
Protein change: p.Met479Val; replaces methionine 479 with valine.
Molecular consequence: missense variant.
Genome position (GRCh38, 1-based): chr1:46,192,202, T>C on the plus strand (A>G on the coding strand, the complement: POMGNT1 is on the minus strand). VCF-style: chr1-46192202-T-C. GRCh37 (hg19) VCF-style: chr1-46657874-T-C.
Other names: c.1435A>G, p.Met479Val (NM_001243766.2, NM_001410783.1); c.1369A>G, p.Met457Val (NM_001290129.3); c.1006A>G, p.Met336Val (NM_001290130.2); short protein forms M457V, M479V, M336V.
Identifiers: ClinVar variation 1977803 (VCV001977803.5), dbSNP rs2525383559, ClinGen allele CA340174152.